The following is an entry in ClinVar:

NM_001943.5(DSG2):c.877A>T (p.Ile293Leu)

Gene: DSG2 (desmoglein 2; plus strand). Cytogenetic location: 18q12.1.
Variant type: single nucleotide variant.
Coding change: c.877A>T on transcript NM_001943.5 (MANE Select); coding-DNA position 877, A replaced by T.
Protein change: p.Ile293Leu; replaces isoleucine 293 with leucine.
Molecular consequence: missense variant.
Genome position (GRCh38, 1-based): chr18:31,524,751, A>T. VCF-style: chr18-31524751-A-T. GRCh37 (hg19) VCF-style: chr18-29104714-A-T.
Other names: p.I293L:ATA>TTA; c.877A>T (LRG_397t1); short protein forms I293L.
Identifiers: ClinVar variation 36014 (VCV000036014.27), dbSNP rs2230234, ClinGen allele CA022342.

ClinVar aggregate classification (germline): Conflicting classifications of pathogenicity. Review status: criteria provided, conflicting classifications (1 of 4 stars). 8 submissions from 8 submitters: Uncertain significance (6); Likely benign (2). Last evaluated 2026-02-01.

Conditions:
Cardiovascular phenotype. Identifiers: MedGen CN230736.
Arrhythmogenic right ventricular cardiomyopathy (ARVD). Also called: Arrhythmogenic cardiomyopathy; Arrhythmogenic Right Ventricular Cardiomyopathy (ARVC); Cardiomyopathy, ARVC; Arrhythmogenic right ventricular dysplasia. Identifiers: Orphanet 247, MedGen C0349788, MeSH D019571, MONDO:0016587. Disease mechanism: loss of function. Inheritance: Various modes of inheritance.
Cardiomyopathy (CMYO). Also called: Cardiomyopathies. Identifiers: Orphanet 167848, MedGen C0878544, MONDO:0004994, HP:0001638. Inheritance: Various modes of inheritance.
Arrhythmogenic right ventricular dysplasia 10. Also called: Arrhythmogenic right ventricular dysplasia/cardiomyopathy, type 10; Arrhythmogenic Right Ventricular Dysplasia/Cardiomyopathy10; ARRHYTHMOGENIC RIGHT VENTRICULAR DYSPLASIA, FAMILIAL, 10. Identifiers: MedGen C1857777, MONDO:0012434, OMIM 610193.

gnomAD v4.1: 96 of 1,614,074 alleles (0.0059%); highest among the groups gnomAD compares: Non-Finnish European, 0.0077%; no homozygotes.

Submissions (8):

Labcorp Genetics (formerly Invitae), Labcorp
Classification: Uncertain significance for Arrhythmogenic right ventricular dysplasia 10. Last evaluated: 2026-02-01. Review status: criteria provided, single submitter. Criteria: Invitae Variant Classification Sherloc (09022015). Collection method: clinical testing. Allele origin: germline.
Comment: This sequence change replaces isoleucine, which is neutral and non-polar, with leucine, which is neutral and non-polar, at codon 293 of the DSG2 protein (p.Ile293Leu). This variant is present in population databases (rs2230234, gnomAD 0.002%). This missense change has been observed in individual(s) with clinical features of DSG2-related conditions (PMID: 37745463, 38895864). ClinVar contains an entry for this variant (Variation ID: 36014). Invitae Evidence Modeling of protein sequence and biophysical properties (such as structural, functional, and spatial information, amino acid conservation, physicochemical variation, residue mobility, and thermodynamic stability) indicates that this missense variant is not expected to disrupt DSG2 protein function with a negative predictive value of 95%. In summary, the available evidence is currently insufficient to determine the role of this variant in disease. Therefore, it has been classified as a Variant of Uncertain Significance.

Ambry Genetics
Classification: Likely benign for Cardiovascular phenotype. Last evaluated: 2024-09-06. Review status: criteria provided, single submitter. Criteria: Ambry Variant Classification Scheme 2023. Collection method: clinical testing. Allele origin: germline.

GeneDx
Classification: Uncertain significance. Last evaluated: 2024-08-06. Review status: criteria provided, single submitter. Criteria: GeneDx Variant Classification Process June 2021. Collection method: clinical testing. Allele origin: germline. Affected: yes.
Comment: Not observed at significant frequency in large population cohorts (gnomAD); In silico analysis supports that this missense variant does not alter protein structure/function; Has not been previously published as pathogenic or benign to our knowledge

All of Us Research Program, National Institutes of Health
Classification: Uncertain significance for Arrhythmogenic right ventricular cardiomyopathy. Last evaluated: 2024-07-23. Review status: criteria provided, single submitter. Criteria: ACMG Guidelines, 2015. Collection method: clinical testing. Allele origin: germline. Inheritance: Autosomal dominant inheritance. Observed: 9 variant alleles, 9 heterozygotes.
Comment: This missense variant replaces isoleucine with leucine at codon 293 of the DSG2 protein. Computational prediction suggests that this variant may not impact protein structure and function (internally defined REVEL score threshold <= 0.5, PMID: 27666373). To our knowledge, functional studies have not been reported for this variant. This variant has not been reported in individuals affected with cardiovascular disorders in the literature. This variant has been identified in 3/280772 chromosomes in the general population by the Genome Aggregation Database (gnomAD). The available evidence is insufficient to determine the role of this variant in disease conclusively. Therefore, this variant is classified as a Variant of Uncertain Significance.

This study involves interpretation of variants in research participants for the purpose of population health screening. Participant phenotype was not available at the time of variant classification. Additional details can be found in publication PMID: 35346344, PMCID: PMC8962531

Color Diagnostics, LLC DBA Color Health
Classification: Uncertain significance for Cardiomyopathy. Last evaluated: 2024-05-23. Review status: criteria provided, single submitter. Criteria: ACMG Guidelines, 2015. Collection method: clinical testing. Allele origin: germline.
Comment: This missense variant replaces isoleucine with leucine at codon 293 of the DSG2 protein. Computational prediction suggests that this variant may not impact protein structure and function. To our knowledge, functional studies have not been reported for this variant. This variant has been reported in an infant affected with sudden death (PMID: 37745463 ). This variant has been identified in 3/280772 chromosomes in the general population by the Genome Aggregation Database (gnomAD). A different DNA change with the same protein consequence has been reported as a common polymorphism (PMID: 20829228). The available evidence is insufficient to determine the role of this variant in disease conclusively. Therefore, this variant is classified as a Variant of Uncertain Significance.

Blueprint Genetics
Classification: Likely benign. Last evaluated: 2023-04-18. Review status: criteria provided, single submitter. Criteria: ACMG Guidelines, 2015. Collection method: clinical testing. Allele origin: germline.

Victorian Clinical Genetics Services, Murdoch Childrens Research Institute
Classification: Uncertain significance for Arrhythmogenic right ventricular dysplasia 10. Last evaluated: 2021-05-06. Review status: criteria provided, single submitter. Criteria: ACMG Guidelines, 2015. Collection method: clinical testing. Allele origin: germline. Inheritance: Autosomal dominant inheritance. Affected: yes.
Comment: Based on the classification scheme VCGS_Germline_v1.3.4, this variant is classified as VUS-3C. Following criteria are met: 0103 - Loss of function and gain of function (the latter with limited evidence, are reported mechanisms of disease in this gene and are associated with arrhythmogenic right ventricular dysplasia 10 (ARVD; MIM#610193) and dilated cardiomyopathy 1BB (DCM; MIM#612877) (ClinVar, PMID: 23071725). (I) 0108 - This gene is associated with both recessive and dominant disease. It is commonly associated with dominant inheritance however, recessive inheritance has been reported in severe DCM patients (OMIM). (I) 0112 - The ARVD condition associated with this gene has incomplete penetrance (OMIM). (I) 0200 - Variant is predicted to result in a missense amino acid change from isoleucine to leucine. (I) 0251 - This variant is heterozygous. (I) 0302 - Variant is present in gnomAD (v3) <0.001 for a dominant condition (4 heterozygotes, 0 homozygotes). (SP) 0309 - An alternative amino acid change at the same position has been observed in gnomAD (v2) (17,548 heterozygotes, 912 homozygotes). (I) 0504 - Same amino acid change has been observed in placental mammals. (SB) 0600 - Variant is located in the annotated cadherin domain (NCBI). (I) 0709 - Another missense variants comparable to the one identified in this case has previous evidence for being benign. The p.(Ile293Val) is a common polymorphism that has been reported as benign multiple times in ClinVar. (SB) 0808 - Previous reports of pathogenicity for this variant are conflicting. This variant has been reported as likely benign and VUS in ClinVar for cardiomyopathies. (I) 0905 - No published segregation evidence has been identified for this variant. (I) 1007 - No published functional evidence has been identified for this variant. (I) 1208 - Inheritance information for this variant is not currently available in this individual. (I) Legend: (SP) - Supporting pathogenic, (I) - Information, (SB) - Supporting benign

Women's Health and Genetics/Laboratory Corporation of America, LabCorp
Classification: Uncertain significance. Last evaluated: 2016-07-11. Review status: criteria provided, single submitter. Criteria: LabCorp Variant Classification Summary - May 2015. Collection method: clinical testing. Allele origin: germline.
Comment: Variant summary: The DSG2 c.877A>T (p.Ile293Leu) variant causes a missense change involving a conserved nucleotide with 2/4 in silico tools (SNPs&GO not captured due to low reliability index) predict a benign outcome, although these predictions have yet to be functionally assessed. The variant of interest was observed in the large, broad control population, ExAC, with an allele frequency of 2/120730 (1/60365), which exceeds the estimated maximal expected allele frequency for a pathogenic DSG2 variant of 1/100000, however, this observation needs to be cautiously considered due to the cohort potentially harboring phenotypes that could be caused by a DSG2 mutation. The variant of interest, to our knowledge, has not been reported in affected individuals via publications, although a clinical laboratory cites the variant as "likely benign," without additional information for an independent evaluation. Therefore, taking all available lines of evidence into consideration, the variant of interest has been classified as a "Variant of Uncertain Significance (VUS)," until additional information becomes available.

Literature cited by the submitters: PubMed 37745463 (cited by Labcorp Genetics (formerly Invitae), Labcorp and Color Diagnostics, LLC DBA Color Health); PubMed 38895864 (cited by Labcorp Genetics (formerly Invitae), Labcorp); PubMed 20829228 (cited by Color Diagnostics, LLC DBA Color Health and Women's Health and Genetics/Laboratory Corporation of America, LabCorp); PubMed 23071725 (cited by Victorian Clinical Genetics Services, Murdoch Childrens Research Institute).